The following is an entry in ClinVar:

NM_001288655.2(DCAKD):c.21_22del (p.Gly9fs)

Gene: DCAKD (dephospho-CoA kinase domain containing; minus strand). Cytogenetic location: 17q21.31.
Variant type: Deletion.
Coding change: c.21_22del on transcript NM_001288655.2 (MANE Select); coding-DNA positions 21 to 22, 2 bases deleted (AG; older notation c.21_22delAG).
Protein change: p.Gly9fs; shifts the reading frame from glycine 9.
Molecular consequence: frameshift variant.
Genome position (GRCh38, 1-based): chr17:45,034,864-45,034,865, CT deleted on the plus strand (AG on the coding strand, the reverse complement: DCAKD is on the minus strand). VCF-style (leftmost placement, unchanged base first): chr17-45034863-CCT-C. GRCh37 (hg19) VCF-style: chr17-43112231-CCT-C.
Other names: c.21_22del, p.Gly9fs (NM_001128631.3, NM_001288654.2, NM_001321326.2 and 1 more transcripts); short protein forms G9fs.
Identifiers: ClinVar variation 3904780 (VCV003904780.10).

ClinVar aggregate classification (germline): Likely benign (1 of 4 stars; one submission).

Submission:

CeGaT Center for Human Genetics Tuebingen
Classification: Likely benign. Last evaluated: 2025-06-01. Review status: criteria provided, single submitter. Criteria: CeGaT Center For Human Genetics Tuebingen Variant Classification Criteria Version 2. Collection method: clinical testing. Allele origin: germline. Affected: yes. Observed: 1 variant allele.
Comment: DCAKD: BS2